The following is an entry in ClinVar:

NM_001166108.2(PALLD):c.3087T>A (p.Phe1029Leu)

Genes: CBR4 (carbonyl reductase 4; minus strand), PALLD (palladin, cytoskeletal associated protein; plus strand). Cytogenetic location: 4q32.3.
Variant type: single nucleotide variant.
Coding change: c.3087T>A on transcript NM_001166108.2 (MANE Select); coding-DNA position 3087, T replaced by A.
Protein change: p.Phe1029Leu; replaces phenylalanine 1029 with leucine.
Molecular consequence: missense variant.
Genome position (GRCh38, 1-based): chr4:168,924,283, T>A. VCF-style: chr4-168924283-T-A. GRCh37 (hg19) VCF-style: chr4-169845434-T-A.
Other names: c.1890T>A, p.Phe630Leu (NM_001166109.2); c.1575T>A, p.Phe525Leu (NM_001166110.2); c.915T>A, p.Phe305Leu (NM_001367567.1, NM_001367569.1); c.966T>A, p.Phe322Leu (NM_001367568.1, NM_001367570.1); c.3036T>A, p.Phe1012Leu (NM_016081.4); short protein forms F1012L, F525L, F305L, F630L, F1029L, F322L.
Identifiers: ClinVar variation 476380 (VCV000476380.15), dbSNP rs189021816, ClinGen allele CA3136039.

ClinVar aggregate classification (germline): Conflicting classifications of pathogenicity. Review status: criteria provided, conflicting classifications (1 of 4 stars). 3 submissions from 3 submitters: Uncertain significance (2); Likely benign (1). Last evaluated 2024-05-30.

Conditions:
Pancreatic cancer, susceptibility to, 1. Identifiers: Orphanet 1333, MedGen C1847351, MONDO:0011739, OMIM 606856.
Pancreatic adenocarcinoma. Identifiers: MedGen C0281361, MONDO:0006047, HP:0006725.

Allele frequency attached by ClinVar (database versions not stated): gnomAD 0.00001; TOPMed 0.00002; gnomAD exomes 0.00005 and 0.00010; ExAC 0.00009; 1000 Genomes Project 30x 0.00016; 1000 Genomes Project 0.00020.
gnomAD v4.1: 28 of 1,614,014 alleles (0.0017%); highest among the groups gnomAD compares: Admixed American, 0.047%; no homozygotes.

Submissions (3):

Fulgent Genetics
Classification: Uncertain significance for Pancreatic cancer, susceptibility to, 1. Last evaluated: 2024-05-30. Review status: criteria provided, single submitter. Criteria: ACMG Guidelines, 2015. Collection method: clinical testing. Allele origin: germline.

Labcorp Genetics (formerly Invitae), Labcorp
Classification: Likely benign for Pancreatic adenocarcinoma. Last evaluated: 2024-04-02. Review status: criteria provided, single submitter. Criteria: Invitae Variant Classification Sherloc (09022015). Collection method: clinical testing. Allele origin: germline.

Ambry Genetics
Classification: Uncertain significance. Last evaluated: 2023-10-05. Review status: criteria provided, single submitter. Criteria: Ambry Variant Classification Scheme 2023. Collection method: clinical testing. Allele origin: germline.
Comment: The p.F1012L variant (also known as c.3036T>A), located in coding exon 17 of the PALLD gene, results from a T to A substitution at nucleotide position 3036. The phenylalanine at codon 1012 is replaced by leucine, an amino acid with highly similar properties. This amino acid position is conserved. In addition, this alteration is predicted to be deleterious by in silico analysis. Since supporting evidence is limited at this time, the clinical significance of this alteration remains unclear.